The following is an entry in ClinVar:

NM_000535.7(PMS2):c.2452A>T (p.Ile818Phe)

Gene: PMS2 (PMS1 homolog 2, mismatch repair system component; minus strand). Cytogenetic location: 7p22.1.
Variant type: single nucleotide variant.
Coding change: c.2452A>T on transcript NM_000535.7 (MANE Select); coding-DNA position 2452, A replaced by T.
Protein change: p.Ile818Phe; replaces isoleucine 818 with phenylalanine.
Molecular consequence: missense variant. On other transcripts: non-coding transcript variant (1).
Genome position (GRCh38, 1-based): chr7:5,973,536, T>A on the plus strand (A>T on the coding strand, the complement: PMS2 is on the minus strand). VCF-style: chr7-5973536-T-A. GRCh37 (hg19) VCF-style: chr7-6013167-T-A.
Other names: c.2047A>T, p.Ile683Phe (NM_001322003.2, NM_001322004.2, NM_001322005.2); c.2296A>T, p.Ile766Phe (NM_001322006.2); c.2134A>T, p.Ile712Phe (NM_001322007.2, NM_001322008.2); c.2080A>T, p.Ile694Phe (NM_001322009.2); c.1891A>T, p.Ile631Phe (NM_001322010.2); c.1519A>T, p.Ile507Phe (NM_001322011.2, NM_001322012.2); c.1879A>T, p.Ile627Phe (NM_001322013.2); c.2485A>T, p.Ile829Phe (NM_001322014.2); and 2 more; short protein forms I627F, I631F, I683F, I818F, I507F, I766F, I829F, I715F.
Identifiers: ClinVar variation 1396448 (VCV001396448.7), dbSNP rs2128659230, ClinGen allele CA366735030.

ClinVar aggregate classification (germline): Uncertain significance. Review status: criteria provided, multiple submitters, no conflicts (2 of 4 stars). 2 submissions from 2 submitters: Uncertain significance (2). Last evaluated 2025-01-05.

Conditions:
Hereditary nonpolyposis colorectal neoplasms. Identifiers: MedGen C0009405, MeSH D003123.
Hereditary cancer-predisposing syndrome. Also called: Neoplastic Syndromes, Hereditary; Hereditary neoplastic syndrome; Tumor predisposition; Hereditary Cancer Syndrome. Identifiers: Orphanet 140162, MedGen C0027672, MeSH D009386, MONDO:0015356.

Submissions (2):

Ambry Genetics
Classification: Uncertain significance for Hereditary cancer-predisposing syndrome. Last evaluated: 2025-01-05. Review status: criteria provided, single submitter. Criteria: Ambry Variant Classification Scheme 2023. Collection method: clinical testing. Allele origin: germline.
Comment: The p.I818F variant (also known as c.2452A>T), located in coding exon 15 of the PMS2 gene, results from an A to T substitution at nucleotide position 2452. The isoleucine at codon 818 is replaced by phenylalanine, an amino acid with highly similar properties. This amino acid position is conserved. In addition, this alteration is predicted to be deleterious by in silico analysis. Based on the available evidence, the clinical significance of this variant remains unclear.

Labcorp Genetics (formerly Invitae), Labcorp
Classification: Uncertain significance for Hereditary nonpolyposis colorectal neoplasms. Last evaluated: 2021-09-08. Review status: criteria provided, single submitter. Criteria: Invitae Variant Classification Sherloc (09022015). Collection method: clinical testing. Allele origin: germline.
Comment: This variant has not been reported in the literature in individuals affected with PMS2-related conditions. In summary, the available evidence is currently insufficient to determine the role of this variant in disease. Therefore, it has been classified as a Variant of Uncertain Significance. Advanced modeling of protein sequence and biophysical properties (such as structural, functional, and spatial information, amino acid conservation, physicochemical variation, residue mobility, and thermodynamic stability) performed at Invitae indicates that this missense variant is not expected to disrupt PMS2 protein function. The frequency data for this variant in the population databases (ExAC) is considered unreliable due to the presence of homologous sequence, such as pseudogenes or paralogs, in the genome. This sequence change replaces isoleucine with phenylalanine at codon 818 of the PMS2 protein (p.Ile818Phe). The isoleucine residue is highly conserved and there is a small physicochemical difference between isoleucine and phenylalanine.